The following is an entry in ClinVar:

NM_000444.6(PHEX):c.58C>T (p.Arg20Ter)

Gene: PHEX (phosphate regulating endopeptidase X-linked; plus strand). Cytogenetic location: Xp22.11.
Variant type: single nucleotide variant.
Coding change: c.58C>T on transcript NM_000444.6 (MANE Select); coding-DNA position 58, C replaced by T.
Protein change: p.Arg20Ter; replaces arginine 20 with a stop codon.
Molecular consequence: nonsense.
Genome position (GRCh38, 1-based): chrX:22,033,063, C>T. VCF-style: chrX-22033063-C-T. GRCh37 (hg19) VCF-style: chrX-22051181-C-T.
Other names: c.58C>T, p.Arg20Ter (NM_001282754.2); short protein forms R20*.
Identifiers: ClinVar variation 379502 (VCV000379502.18), dbSNP rs770573978, ClinGen allele CA16608388.

ClinVar aggregate classification (germline): Pathogenic. Review status: criteria provided, multiple submitters, no conflicts (2 of 4 stars). 7 submissions from 7 submitters: Pathogenic (5). 2 of the submissions do not count toward it. Last evaluated 2025-03-10.

Conditions:
PHEX-related disorder. Also called: PHEX-related condition.
Childhood hypophosphatasia. Identifiers: Orphanet 247667, Orphanet 436, MedGen C0220743, MONDO:1010168, OMIM 241510, MONDO:0009428.
Familial X-linked hypophosphatemic vitamin D refractory rickets (XLHRD). Also called: X-Linked Hypophosphatemia; Hypophosphatemia, vitamin D-resistant rickets; Vitamin D-resistant rickets, X-linked; Hypophosphatemic Rickets, X-Linked Dominant; HYPOPHOSPHATEMIC VITAMIN D-RESISTANT RICKETS. Identifiers: Orphanet 89936, MedGen C0733682, MONDO:0010619, OMIM 307800.

Submissions (7):

Labcorp Genetics (formerly Invitae), Labcorp
Classification: Pathogenic. Last evaluated: 2025-03-10. Review status: criteria provided, single submitter. Criteria: Invitae Variant Classification Sherloc (09022015). Collection method: clinical testing. Allele origin: germline.
Comment: This sequence change creates a premature translational stop signal (p.Arg20*) in the PHEX gene. It is expected to result in an absent or disrupted protein product. Loss-of-function variants in PHEX are known to be pathogenic (PMID: 9097956, 9106524, 19219621). This variant is not present in population databases (gnomAD no frequency). This premature translational stop signal has been observed in individuals with X-linked hypophosphatemic rickets (PMID: 9097956, 9199930). ClinVar contains an entry for this variant (Variation ID: 379502). For these reasons, this variant has been classified as Pathogenic.

Kasturba Medical College, Manipal, Kasturba Medical College, Manipal, Manipal Academy of Higher Education, Manipal, India
Classification: Pathogenic for Familial X-linked hypophosphatemic vitamin D refractory rickets. Last evaluated: 2022-01-13. Review status: criteria provided, single submitter. Criteria: ACMG Guidelines, 2015. Collection method: clinical testing. Allele origin: germline. Inheritance: X-linked dominant inheritance. Affected: yes. Observed: 1 heterozygote.

Blueprint Genetics
Classification: Pathogenic for PHEX-related disorders. Last evaluated: 2017-10-31. Review status: criteria provided, single submitter. Criteria: ACMG Guidelines, 2015. Collection method: clinical testing. Allele origin: germline. Affected: yes. Observed: 1 variant allele.

GeneDx
Classification: Pathogenic. Last evaluated: 2016-03-04. Review status: criteria provided, single submitter. Criteria: GeneDx Variant Classification (06012015). Collection method: clinical testing. Allele origin: germline. Affected: yes.
Comment: The R20X nonsense variant in the PHEX gene has been frequently reported in association withX-Linked Hypophosphatemic Rickets (Rowe et al., 1997; Francis et al., 1997; Cho et al., 2005). TheR20X variant was not observed in approximately 6,500 individuals of European and African Americanancestry in the NHLBI Exome Sequencing Project, indicating it is not a common benign variant inthese populations. This pathogenic variant is predicted to cause loss of normal protein function eitherthrough protein truncation or nonsense-mediated mRNA decay.

Institute of Human Genetics Munich, TUM University Hospital
Classification: Pathogenic for Familial X-linked hypophosphatemic vitamin D refractory rickets. Last evaluated: 2013-10-28. Review status: criteria provided, single submitter. Criteria: Classification criteria August 2017. Collection method: clinical testing. Allele origin: germline. Inheritance: X-linked inheritance. Affected: yes. Observed: 4 heterozygotes.

Beijing Key Laboratory for Genetic Research of Skeletal Deformity, Peking Union Medical College Hospital
Classification: Pathogenic for Familial X-linked hypophosphatemic vitamin D refractory rickets. Last evaluated: 2019-05-31. Review status: no assertion criteria provided. Collection method: research. Allele origin: unknown. Affected: yes. Not counted in ClinVar's aggregate classification.

Department of Pediatric Endocrinology, Shriners Hospitals for Children - Mexico City
No classification provided. Condition: Childhood hypophosphatasia. Review status: no classification provided. Collection method: phenotyping only. Allele origin: germline. Inheritance: X-linked dominant inheritance. Affected: yes. Observed: 2 variant alleles, 1 hemizygote. Not counted in ClinVar's aggregate classification.

Literature cited by the submitters: PubMed 9097956 (cited by Labcorp Genetics (formerly Invitae), Labcorp); PubMed 9106524 (cited by Labcorp Genetics (formerly Invitae), Labcorp); PubMed 19219621 (cited by Labcorp Genetics (formerly Invitae), Labcorp); PubMed 9199930 (cited by 3 submitters).